The following is an entry in ClinVar:

NM_001365536.1(SCN9A):c.5086A>G (p.Thr1696Ala)

Genes: SCN1A-AS1 (SCN1A and SCN9A antisense RNA 1; plus strand), SCN9A (sodium voltage-gated channel alpha subunit 9; minus strand). Cytogenetic location: 2q24.3.
Variant type: single nucleotide variant.
Coding change: c.5086A>G on transcript NM_001365536.1 (MANE Select); coding-DNA position 5086, A replaced by G.
Protein change: p.Thr1696Ala; replaces threonine 1696 with alanine.
Molecular consequence: missense variant.
Genome position (GRCh38, 1-based): chr2:166,199,553, T>C on the plus strand (A>G on the coding strand, the complement: SCN9A is on the minus strand). VCF-style: chr2-166199553-T-C. GRCh37 (hg19) VCF-style: chr2-167056063-T-C.
Other names: c.5053A>G, p.Thr1685Ala (NM_002977.4); short protein forms T1696A, T1685A.
Identifiers: ClinVar variation 854419 (VCV000854419.10), dbSNP rs879254140, ClinGen allele CA349054741.
Genomic context (GRCh38, chr2:166,199,553, plus strand): 5'-CACAGTCGGGTGGCTTACTGTTAAGAATAGGTGCTAGCAATCCATCCCAGCCAGCAGAGG[T>C]TGTAATTTGGAACAGGCAAATCATACTGTTGCCAAAGGTCTCAAAATTGAACATGTCATT-3'
Protein context (NP_001352465.1, residues 1686-1706): NSMICLFQIT[Thr1696Ala]SAGWDGLLAP

ClinVar aggregate classification (germline): Uncertain significance (1 of 4 stars; one submission).

Conditions:
Generalized epilepsy with febrile seizures plus, type 7 (GEFSP7). Also called: GEFS+, TYPE 7. Identifiers: Orphanet 36387, MedGen C2751778, MONDO:0013470, OMIM 613863.
Neuropathy, hereditary sensory and autonomic, type 2A (HSAN2A). Also called: MORVAN DISEASE; NEUROPATHY, CONGENITAL SENSORY; NEUROPATHY, HEREDITARY SENSORY RADICULAR, AUTOSOMAL RECESSIVE; NEUROPATHY, HEREDITARY SENSORY, TYPE IIA; NEUROPATHY, PROGRESSIVE SENSORY, OF CHILDREN; WNK1-Related HSAN2 (HSAN2A). Identifiers: Orphanet 970, MedGen C2752089, MONDO:0024309, OMIM 201300.

Submission:

Labcorp Genetics (formerly Invitae), Labcorp
Classification: Uncertain significance for Neuropathy, hereditary sensory and autonomic, type 2A; Generalized epilepsy with febrile seizures plus, type 7. Last evaluated: 2019-04-02. Review status: criteria provided, single submitter. Criteria: Invitae Variant Classification Sherloc (09022015). Collection method: clinical testing. Allele origin: germline.
Comment: In summary, the available evidence is currently insufficient to determine the role of this variant in disease. Therefore, it has been classified as a Variant of Uncertain Significance. Algorithms developed to predict the effect of sequence changes on RNA splicing suggest that this variant may create or strengthen a splice site, but this prediction has not been confirmed by published transcriptional studies. Algorithms developed to predict the effect of missense changes on protein structure and function (SIFT, PolyPhen-2, Align-GVGD) all suggest that this variant is likely to be disruptive, but these predictions have not been confirmed by published functional studies and their clinical significance is uncertain. This variant has not been reported in the literature in individuals with SCN9A-related conditions. This variant is not present in population databases (ExAC no frequency). This sequence change replaces threonine with alanine at codon 1685 of the SCN9A protein (p.Thr1685Ala). The threonine residue is highly conserved and there is a small physicochemical difference between threonine and alanine.